The following is an entry in ClinVar:

NM_004380.3(CREBBP):c.2924C>T (p.Pro975Leu)

Gene: CREBBP (CREB binding lysine acetyltransferase; minus strand). Cytogenetic location: 16p13.3.
Variant type: single nucleotide variant.
Coding change: c.2924C>T on transcript NM_004380.3 (MANE Select); coding-DNA position 2924, C replaced by T.
Protein change: p.Pro975Leu; replaces proline 975 with leucine.
Molecular consequence: missense variant.
Genome position (GRCh38, 1-based): chr16:3,769,310, G>A on the plus strand (C>T on the coding strand, the complement: CREBBP is on the minus strand). VCF-style: chr16-3769310-G-A. GRCh37 (hg19) VCF-style: chr16-3819311-G-A.
Other names: c.2810C>T, p.Pro937Leu (NM_001079846.1); short protein forms P975L, P937L.
Identifiers: ClinVar variation 2796630 (VCV002796630.4), dbSNP rs1466424348, ClinGen allele CA394549847.

ClinVar aggregate classification (germline): Conflicting classifications of pathogenicity. Review status: criteria provided, conflicting classifications (1 of 4 stars). 2 submissions from 2 submitters: Uncertain significance (1); Likely benign (1). Last evaluated 2025-02-16.

Conditions:
Rubinstein-Taybi syndrome (RSTS). Identifiers: Orphanet 783, MedGen C0035934, MONDO:0019188.

Allele frequency attached by ClinVar (database versions not stated): TOPMed below 0.00001; gnomAD 0.00001.
gnomAD v4.1: 3 of 1,614,070 alleles (0.00019%); highest among the groups gnomAD compares: Non-Finnish European, 0.00025%; no homozygotes.

Submissions (2):

Laboratory of Genetics, Children's Clinical University Hospital Latvia
Classification: Likely benign. Last evaluated: 2025-02-16. Review status: criteria provided, single submitter. Criteria: ACMG Guidelines, 2015. Collection method: clinical testing. Allele origin: germline. Affected: yes.

Labcorp Genetics (formerly Invitae), Labcorp
Classification: Uncertain significance for Rubinstein-Taybi syndrome. Last evaluated: 2023-07-29. Review status: criteria provided, single submitter. Criteria: Invitae Variant Classification Sherloc (09022015). Collection method: clinical testing. Allele origin: germline.
Comment: In summary, the available evidence is currently insufficient to determine the role of this variant in disease. Therefore, it has been classified as a Variant of Uncertain Significance. Advanced modeling of protein sequence and biophysical properties (such as structural, functional, and spatial information, amino acid conservation, physicochemical variation, residue mobility, and thermodynamic stability) performed at Invitae indicates that this missense variant is expected to disrupt CREBBP protein function. This variant has not been reported in the literature in individuals affected with CREBBP-related conditions. This variant is not present in population databases (gnomAD no frequency). This sequence change replaces proline, which is neutral and non-polar, with leucine, which is neutral and non-polar, at codon 975 of the CREBBP protein (p.Pro975Leu).